The following is an entry in ClinVar:

NM_001035.3(RYR2):c.2159A>G (p.Asp720Gly)

Gene: RYR2 (ryanodine receptor 2; plus strand). Cytogenetic location: 1q43.
Variant type: single nucleotide variant.
Coding change: c.2159A>G on transcript NM_001035.3 (MANE Select); coding-DNA position 2159, A replaced by G.
Protein change: p.Asp720Gly; replaces aspartic acid 720 with glycine.
Molecular consequence: missense variant.
Genome position (GRCh38, 1-based): chr1:237,496,708, A>G. VCF-style: chr1-237496708-A-G. GRCh37 (hg19) VCF-style: chr1-237660008-A-G.
Other names: short protein forms D720G.
Identifiers: ClinVar variation 1950804 (VCV001950804.5), dbSNP rs2545836779, ClinGen allele CA345392256.

ClinVar aggregate classification (germline): Uncertain significance (1 of 4 stars; one submission).

Conditions:
Catecholaminergic polymorphic ventricular tachycardia 1. Also called: VENTRICULAR TACHYCARDIA, CATECHOLAMINERGIC POLYMORPHIC, 1, WITH OR WITHOUT ATRIAL DYSFUNCTION AND/OR DILATED CARDIOMYOPATHY; VENTRICULAR TACHYCARDIA, STRESS-INDUCED POLYMORPHIC 1; RYR2-Related Catecholaminergic Polymorphic Ventricular Tachycardia. Identifiers: Orphanet 3286, MedGen C1631597, MONDO:0011484, OMIM 604772.

gnomAD v4.1: 1 of 1,613,902 alleles (0.000062%); highest among the groups gnomAD compares: Non-Finnish European, 0.000085%; no homozygotes.

Submission:

Labcorp Genetics (formerly Invitae), Labcorp
Classification: Uncertain significance for Catecholaminergic polymorphic ventricular tachycardia 1. Last evaluated: 2022-10-07. Review status: criteria provided, single submitter. Criteria: Invitae Variant Classification Sherloc (09022015). Collection method: clinical testing. Allele origin: germline.
Comment: In summary, the available evidence is currently insufficient to determine the role of this variant in disease. Therefore, it has been classified as a Variant of Uncertain Significance. Algorithms developed to predict the effect of missense changes on protein structure and function (SIFT, PolyPhen-2, Align-GVGD) all suggest that this variant is likely to be disruptive. This variant has not been reported in the literature in individuals affected with RYR2-related conditions. This variant is not present in population databases (gnomAD no frequency). This sequence change replaces aspartic acid, which is acidic and polar, with glycine, which is neutral and non-polar, at codon 720 of the RYR2 protein (p.Asp720Gly).